The following is an entry in ClinVar:

ClinVar aggregate classification (germline): Uncertain significance (1 of 4 stars; one submission).

Conditions:
Bardet-Biedl syndrome (BBS). Identifiers: Orphanet 110, MedGen C0752166, MONDO:0015229.

Allele frequency attached by ClinVar (database versions not stated): gnomAD exomes below 0.00001.
gnomAD v4.1: 2 of 1,614,048 alleles (0.00012%); highest among the groups gnomAD compares: South Asian, 0.0022%; no homozygotes.

Submission:

Labcorp Genetics (formerly Invitae), Labcorp
Classification: Uncertain significance for Bardet-Biedl syndrome. Last evaluated: 2021-09-01. Review status: criteria provided, single submitter. Criteria: Invitae Variant Classification Sherloc (09022015). Collection method: clinical testing. Allele origin: germline.
Comment: This sequence change replaces asparagine with serine at codon 700 of the BBS12 protein (p.Asn700Ser). The asparagine residue is moderately conserved and there is a small physicochemical difference between asparagine and serine. This variant is not present in population databases (ExAC no frequency). This variant has not been reported in the literature in individuals affected with BBS12-related conditions. Algorithms developed to predict the effect of missense changes on protein structure and function output the following: SIFT: "Tolerated"; PolyPhen-2: "Benign"; Align-GVGD: "Class C0". The serine amino acid residue is found in multiple mammalian species, which suggests that this missense change does not adversely affect protein function. In summary, the available evidence is currently insufficient to determine the role of this variant in disease. Therefore, it has been classified as a Variant of Uncertain Significance.

NM_152618.3(BBS12):c.2099A>G (p.Asn700Ser)

Gene: BBS12 (Bardet-Biedl syndrome 12; plus strand). Cytogenetic location: 4q27.
Variant type: single nucleotide variant.
Coding change: c.2099A>G on transcript NM_152618.3 (MANE Select); coding-DNA position 2099, A replaced by G.
Protein change: p.Asn700Ser; replaces asparagine 700 with serine.
Molecular consequence: missense variant.
Genome position (GRCh38, 1-based): chr4:122,743,991, A>G. VCF-style: chr4-122743991-A-G. GRCh37 (hg19) VCF-style: chr4-123665146-A-G.
Other names: c.2099A>G, p.Asn700Ser (NM_001178007.2); short protein forms N700S.
Identifiers: ClinVar variation 1018706 (VCV001018706.2), dbSNP rs1800945725, ClinGen allele CA358226558.